The following is an entry in ClinVar:

ClinVar aggregate classification (germline): Uncertain significance (1 of 4 stars; one submission).

Conditions:
Hereditary cancer-predisposing syndrome. Also called: Neoplastic Syndromes, Hereditary; Tumor predisposition; Hereditary neoplastic syndrome; Hereditary Cancer Syndrome. Identifiers: Orphanet 140162, MedGen C0027672, MeSH D009386, MONDO:0015356.

gnomAD v4.1: 1 of 1,610,296 alleles (0.000062%); highest among the groups gnomAD compares: Non-Finnish European, 0.000085%; no homozygotes.

Submission:

Ambry Genetics
Classification: Uncertain significance for Hereditary cancer-predisposing syndrome. Last evaluated: 2023-11-24. Review status: criteria provided, single submitter. Criteria: Ambry Variant Classification Scheme 2023. Collection method: clinical testing. Allele origin: germline.
Comment: The p.V489I variant (also known as c.1465G>A), located in coding exon 16 of the CDC73 gene, results from a G to A substitution at nucleotide position 1465. The valine at codon 489 is replaced by isoleucine, an amino acid with highly similar properties. This amino acid position is conserved. In addition, the in silico prediction for this alteration is inconclusive. Since supporting evidence is limited at this time, the clinical significance of this alteration remains unclear.

NM_024529.5(CDC73):c.1465G>A (p.Val489Ile)

Gene: CDC73 (cell division cycle 73; plus strand). Cytogenetic location: 1q31.2.
Variant type: single nucleotide variant.
Coding change: c.1465G>A on transcript NM_024529.5 (MANE Select); coding-DNA position 1465, G replaced by A.
Protein change: p.Val489Ile; replaces valine 489 with isoleucine.
Molecular consequence: missense variant.
Genome position (GRCh38, 1-based): chr1:193,249,777, G>A. VCF-style: chr1-193249777-G-A. GRCh37 (hg19) VCF-style: chr1-193218907-G-A.
Other names: short protein forms V489I.
Identifiers: ClinVar variation 3227860 (VCV003227860.1), dbSNP rs2102073378, ClinGen allele CA344078440.
Genomic context (GRCh38, chr1:193,249,777, plus strand): 5'-ACCCTCTCTATAGTTAAAGCCTTCCATCTGAAGTATGATGAAGTTCGTCTGGATCCAAAT[G>A]TTCAGAAATGGGATGTAACAGTATTAGAACTCAGCTATCACAAACGTCATTTGGATAGAC-3'
Protein context (NP_078805.3, residues 479-499): KYDEVRLDPN[Val489Ile]QKWDVTVLEL